The following is an entry in ClinVar:

NM_000368.5(TSC1):c.1263+36G>A

Gene: TSC1 (TSC complex subunit 1; minus strand). Cytogenetic location: 9q34.13.
Variant type: single nucleotide variant.
Coding change: c.1263+36G>A on transcript NM_000368.5 (MANE Select); 36 bases into the intron after coding-DNA position 1263, G replaced by A.
Molecular consequence: intron variant.
Genome position (GRCh38, 1-based): chr9:132,910,535, C>T on the plus strand (G>A on the coding strand, the complement: TSC1 is on the minus strand). VCF-style: chr9-132910535-C-T. GRCh37 (hg19) VCF-style: chr9-135785922-C-T.
Other names: c.897+36G>A (NM_001406620.1, NM_001406625.1, NM_001406621.1 and 2 more transcripts); c.900+36G>A (NM_001406618.1, NM_001406617.1, NM_001406619.1 and 5 more transcripts); c.1107+36G>A (NM_001406613.1, NM_001406612.1, NM_001406611.1); c.1110+36G>A (NM_001406610.1, NM_001162427.2); c.309+36G>A (NM_001406627.1, NM_001406628.1); c.210+36G>A (NM_001406629.1, NM_001406630.1); c.1260+36G>A (NM_001406603.1, NM_001406609.1, NM_001406597.1 and 6 more transcripts); c.1263+36G>A (NM_001406602.1, NM_001406606.1, NM_001406592.1 and 7 more transcripts); and 1 more.
Identifiers: ClinVar variation 4281062 (VCV004281062.7).

ClinVar aggregate classification (germline): Likely benign (1 of 4 stars; one submission).

gnomAD v4.1: 13 of 1,613,810 alleles (0.00081%); highest among the groups gnomAD compares: Middle Eastern, 0.049%; no homozygotes.

Submission:

CeGaT Center for Human Genetics Tuebingen
Classification: Likely benign. Last evaluated: 2025-09-01. Review status: criteria provided, single submitter. Criteria: CeGaT Center For Human Genetics Tuebingen Variant Classification Criteria Version 2. Collection method: clinical testing. Allele origin: germline. Affected: yes. Observed: 1 variant allele.
Comment: TSC1: BP4, BP7